The following is an entry in ClinVar:

ClinVar aggregate classification (germline): Likely benign. Review status: criteria provided, multiple submitters, no conflicts (2 of 4 stars). 2 submissions from 2 submitters: Likely benign (2). Last evaluated 2022-09-20.

Conditions:
Nemaline myopathy 8 (NEM8). Also called: Nemaline myopathy 8, autosomal recessive. Identifiers: Orphanet 171430, MedGen C3809209, MONDO:0014138, OMIM 615348.

Allele frequency attached by ClinVar (database versions not stated): TOPMed below 0.00001; gnomAD exomes 0.00001 and 0.00002; ExAC 0.00003; ESP Exome Variant Server 0.00008.
gnomAD v4.1: 8 of 1,613,262 alleles (0.0005%); highest among the groups gnomAD compares: Middle Eastern, 0.017%; no homozygotes.

Submissions (2):

Labcorp Genetics (formerly Invitae), Labcorp
Classification: Likely benign for Nemaline myopathy 8. Last evaluated: 2022-09-20. Review status: criteria provided, single submitter. Criteria: Invitae Variant Classification Sherloc (09022015). Collection method: clinical testing. Allele origin: germline.

CeGaT Center for Human Genetics Tuebingen
Classification: Likely benign. Last evaluated: 2022-05-01. Review status: criteria provided, single submitter. Criteria: CeGaT Center For Human Genetics Tuebingen Variant Classification Criteria Version 2. Collection method: clinical testing. Allele origin: germline. Affected: yes. Observed: 1 variant allele.
Comment: KLHL40: BP4, BP7

NM_152393.4(KLHL40):c.1782G>A (p.Glu594=)

Gene: KLHL40 (kelch like family member 40; plus strand). Cytogenetic location: 3p22.1.
Variant type: single nucleotide variant.
Coding change: c.1782G>A on transcript NM_152393.4 (MANE Select); coding-DNA position 1782, G replaced by A.
Protein change: p.Glu594=; no amino-acid change (glutamic acid 594 retained).
Molecular consequence: synonymous variant.
Genome position (GRCh38, 1-based): chr3:42,691,909, G>A. VCF-style: chr3-42691909-G-A. GRCh37 (hg19) VCF-style: chr3-42733401-G-A.
Identifiers: ClinVar variation 1554119 (VCV001554119.31), dbSNP rs371116469, ClinGen allele CA2337092.
Genomic context (GRCh38, chr3:42,691,909, plus strand): 5'-TCCATCCTTGTCCCCACTCTCTCTCATCCCCAGGTATAACGAGGAGGAGAAGAAATGGGA[G>A]GGTGTCCTGCGGGAGATCGCCTATGCAGCAGGTGCCACCTTCCTACCAGTGCGGCTCAAT-3'
Protein context (NP_689606.2, residues 584-604): WRYNEEEKKW[Glu594=]GVLREIAYAA